The following is an entry in ClinVar:

NM_001571.6(IRF3):c.1030C>T (p.Leu344Phe)

Gene: IRF3 (interferon regulatory factor 3; minus strand). Cytogenetic location: 19q13.33.
Variant type: single nucleotide variant.
Coding change: c.1030C>T on transcript NM_001571.6 (MANE Select); coding-DNA position 1030, C replaced by T.
Protein change: p.Leu344Phe; replaces leucine 344 with phenylalanine.
Molecular consequence: missense variant. On other transcripts: non-coding transcript variant (1).
Genome position (GRCh38, 1-based): chr19:49,660,781, G>A on the plus strand (C>T on the coding strand, the complement: IRF3 is on the minus strand). VCF-style: chr19-49660781-G-A. GRCh37 (hg19) VCF-style: chr19-50164038-G-A.
Other names: c.1046C>T, p.Pro349Leu (NM_001197122.2); c.925C>T, p.Leu309Phe (NM_001197123.2); c.649C>T, p.Leu217Phe (NM_001197124.2); c.592C>T, p.Leu198Phe (NM_001197125.2, NM_001197126.2); c.211C>T, p.Leu71Phe (NM_001197127.2, NM_001197128.2); short protein forms L217F, L309F, L198F, L344F, P349L, L71F.
Identifiers: ClinVar variation 3530024 (VCV003530024.2).

ClinVar aggregate classification (germline): Uncertain significance. Review status: criteria provided, multiple submitters, no conflicts (2 of 4 stars). 2 submissions from 2 submitters: Uncertain significance (2). Last evaluated 2024-07-10.

Conditions:
Encephalopathy, acute, infection-induced (herpes-specific), susceptibility to, 7 (IIAE7). Identifiers: Orphanet 1930, MedGen C4225294, MONDO:0014680, OMIM 616532.

Submissions (2):

Ambry Genetics
Classification: Uncertain significance. Last evaluated: 2024-07-10. Review status: criteria provided, single submitter. Criteria: Ambry Variant Classification Scheme 2023. Collection method: clinical testing. Allele origin: germline.

Laboratorio de Genetica e Diagnostico Molecular, Hospital Israelita Albert Einstein
Classification: Uncertain significance for Encephalopathy, acute, infection-induced (herpes-specific), susceptibility to, 7. Last evaluated: 2022-05-19. Review status: criteria provided, single submitter. Criteria: ACMG Guidelines, 2015. Collection method: clinical testing. Allele origin: germline. Affected: yes.
Comment: ACMG classification criteria: PM2 supporting